The following is an entry in ClinVar:

NM_001136191.3(KANK2):c.1628A>G (p.Glu543Gly)

Gene: KANK2 (KN motif and ankyrin repeat domains 2; minus strand). Cytogenetic location: 19p13.2.
Variant type: single nucleotide variant.
Coding change: c.1628A>G on transcript NM_001136191.3 (MANE Select); coding-DNA position 1628, A replaced by G.
Protein change: p.Glu543Gly; replaces glutamic acid 543 with glycine.
Molecular consequence: missense variant.
Genome position (GRCh38, 1-based): chr19:11,176,710, T>C on the plus strand (A>G on the coding strand, the complement: KANK2 is on the minus strand). VCF-style: chr19-11176710-T-C. GRCh37 (hg19) VCF-style: chr19-11287386-T-C.
Other names: c.1628A>G, p.Glu543Gly (NM_001379555.1, NM_001379556.1, NM_001379557.1 and 7 more transcripts); c.1652A>G, p.Glu551Gly (NM_001379551.1, NM_001379552.1, NM_001379553.1 and 5 more transcripts); short protein forms E543G, E551G.
Identifiers: ClinVar variation 3681979 (VCV003681979.2).
Genomic context (GRCh38, chr19:11,176,710, plus strand): 5'-TGACACTCCTGCCGGCTGGTCTTGGCCGCTGCCGTCCCTGCAGGCCTGAGCTGGGGGGCT[T>C]CGGCCACACTCGGAACCCTCTCCCTCGGCTCTGGGGCCTCGTTCTCTGTGCTGTCGTTGT-3'
Protein context (NP_001129663.1, residues 533-553): EPRERVPSVA[Glu543Gly]APQLRPAGTA

ClinVar aggregate classification (germline): Uncertain significance (1 of 4 stars; one submission).

gnomAD v4.1: 9 of 1,612,276 alleles (0.00056%); highest among the groups gnomAD compares: South Asian, 0.0088%; no homozygotes.

Submission:

Labcorp Genetics (formerly Invitae), Labcorp
Classification: Uncertain significance. Last evaluated: 2024-04-08. Review status: criteria provided, single submitter. Criteria: Invitae Variant Classification Sherloc (09022015). Collection method: clinical testing. Allele origin: germline.
Comment: This sequence change replaces glutamic acid, which is acidic and polar, with glycine, which is neutral and non-polar, at codon 543 of the KANK2 protein (p.Glu543Gly). This variant is present in population databases (rs773667947, gnomAD 0.01%). This variant has not been reported in the literature in individuals affected with KANK2-related conditions. Algorithms developed to predict the effect of missense changes on protein structure and function output the following: SIFT: "Not Available"; PolyPhen-2: "Benign"; Align-GVGD: "Not Available". The glycine amino acid residue is found in multiple mammalian species, which suggests that this missense change does not adversely affect protein function. In summary, the available evidence is currently insufficient to determine the role of this variant in disease. Therefore, it has been classified as a Variant of Uncertain Significance.